The following is an entry in ClinVar:

ClinVar aggregate classification (germline): Uncertain significance. Review status: criteria provided, multiple submitters, no conflicts (2 of 4 stars). 2 submissions from 2 submitters: Uncertain significance (2). Last evaluated 2023-12-18.

Allele frequency attached by ClinVar (database versions not stated): ExAC 0.00001.
gnomAD v4.1: 26 of 1,612,420 alleles (0.0016%); highest among the groups gnomAD compares: Non-Finnish European, 0.0021%; no homozygotes.

Submissions (2):

Ambry Genetics
Classification: Uncertain significance. Last evaluated: 2023-12-18. Review status: criteria provided, single submitter. Criteria: Ambry Variant Classification Scheme 2023. Collection method: clinical testing. Allele origin: germline.

Labcorp Genetics (formerly Invitae), Labcorp
Classification: Uncertain significance. Last evaluated: 2023-04-24. Review status: criteria provided, single submitter. Criteria: Invitae Variant Classification Sherloc (09022015). Collection method: clinical testing. Allele origin: germline.
Comment: In summary, the available evidence is currently insufficient to determine the role of this variant in disease. Therefore, it has been classified as a Variant of Uncertain Significance. This variant has not been reported in the literature in individuals affected with KRT83-related conditions. Advanced modeling of protein sequence and biophysical properties (such as structural, functional, and spatial information, amino acid conservation, physicochemical variation, residue mobility, and thermodynamic stability) performed at Invitae indicates that this missense variant is not expected to disrupt KRT83 protein function. This variant is present in population databases (rs776629118, gnomAD 0.003%). This sequence change replaces glycine, which is neutral and non-polar, with aspartic acid, which is acidic and polar, at codon 58 of the KRT83 protein (p.Gly58Asp).

NM_002282.3(KRT83):c.173G>A (p.Gly58Asp)

Gene: KRT83 (keratin 83; minus strand). Cytogenetic location: 12q13.13.
Variant type: single nucleotide variant.
Coding change: c.173G>A on transcript NM_002282.3 (MANE Select); coding-DNA position 173, G replaced by A.
Protein change: p.Gly58Asp; replaces glycine 58 with aspartic acid.
Molecular consequence: missense variant.
Genome position (GRCh38, 1-based): chr12:52,321,163, C>T on the plus strand (G>A on the coding strand, the complement: KRT83 is on the minus strand). VCF-style: chr12-52321163-C-T. GRCh37 (hg19) VCF-style: chr12-52714947-C-T.
Other names: short protein forms G58D.
Identifiers: ClinVar variation 2902118 (VCV002902118.4), dbSNP rs776629118, ClinGen allele CA6577795.
Genomic context (GRCh38, chr12:52,321,163, plus strand): 5'-GGTCCGCACACGCCCCCGGAGCGGTAGCCGAAGCTGCGTCCGCAGGAGCCGGCGCGGAAG[C>T]CCCCGCACACGCTGTGGCTGCCAAAGCCCCCGGTGAGGCCGCGGTAGCAGGAGATGCCGC-3'
Protein context (NP_002273.3, residues 48-68): GGFGSHSVCG[Gly58Asp]FRAGSCGRSF